The following is an entry in ClinVar:

NM_001377.3(DYNC2H1):c.12366+8A>G

Gene: DYNC2H1 (dynein cytoplasmic 2 heavy chain 1; plus strand). Cytogenetic location: 11q22.3.
Variant type: single nucleotide variant.
Coding change: c.12366+8A>G on transcript NM_001377.3 (MANE Select); 8 bases into the intron after coding-DNA position 12366, A replaced by G.
Molecular consequence: intron variant.
Genome position (GRCh38, 1-based): chr11:103,399,880, A>G. VCF-style: chr11-103399880-A-G. GRCh37 (hg19) VCF-style: chr11-103270608-A-G.
Other names: c.12387+8A>G (NM_001080463.2).
Identifiers: ClinVar variation 279579 (VCV000279579.18), dbSNP rs200404815, ClinGen allele CA6255516.
Genomic context (GRCh38, chr11:103,399,880, plus strand): 5'-CTTTACTGAGTTCAGAAGTACAAAAATTGGCAAGTGCTTTATTAAACCAAAAGGTAAGCG[A>G]GTACTAACTGTATGTATTTTTATTTCATTGTTATAAGTGACTCCTCCATCACACATATAT-3'

ClinVar aggregate classification (germline): Benign/Likely benign. Review status: criteria provided, multiple submitters, no conflicts (2 of 4 stars). 5 submissions from 5 submitters: Benign (1); Likely benign (2). 2 of the submissions do not count toward it. Last evaluated 2024-10-31.

Conditions:
DYNC2H1-related disorder. Also called: DYNC2H1-related condition; DYNC2H1-related disorders. Identifiers: MedGen CN378770.
Jeune thoracic dystrophy. Also called: Short-rib thoracic dysplasia; Jeune syndrome; Infantile thoracic dystrophy; Thoracic pelvic phalangeal dystrophy; Jeune's syndrome; Chondroectodermal dysplasia-like syndrome. Identifiers: Orphanet 474, MedGen C0265275, MONDO:0018770.
Hirschsprung disease, susceptibility to, 1 (HSCR1). Also called: RET-Related Hirschsprung Disease. Identifiers: Orphanet 388, MedGen C3888239, MONDO:0007723, OMIM 142623.

Allele frequency attached by ClinVar (database versions not stated): 1000 Genomes Project 30x 0.00016; 1000 Genomes Project 0.00020; TOPMed 0.00100; gnomAD 0.00144 and 0.00156; gnomAD exomes 0.00158 and 0.00220; ExAC 0.00204.
gnomAD v4.1: 3,409 of 1,603,472 alleles (0.21%); highest among the groups gnomAD compares: Non-Finnish European, 0.25%; 4 homozygotes.

Submissions (5):

Blueprint Genetics
Classification: Likely benign. Last evaluated: 2024-10-31. Review status: criteria provided, single submitter. Criteria: ACMG Guidelines, 2015. Collection method: clinical testing. Allele origin: germline.

Genetic Services Laboratory, University of Chicago
Classification: Likely benign. Last evaluated: 2020-02-14. Review status: criteria provided, single submitter. Criteria: ACMG Guidelines, 2015. Collection method: clinical testing. Allele origin: germline. Affected: no.

Labcorp Genetics (formerly Invitae), Labcorp
Classification: Benign for Jeune thoracic dystrophy. Last evaluated: 2019-12-31. Review status: criteria provided, single submitter. Criteria: Invitae Variant Classification Sherloc (09022015). Collection method: clinical testing. Allele origin: germline.

PreventionGenetics, part of Exact Sciences
Classification: Likely benign for DYNC2H1-related condition. Last evaluated: 2019-06-19. Review status: no assertion criteria provided. Collection method: clinical testing. Allele origin: germline. Not counted in ClinVar's aggregate classification.
Comment: This variant is classified as likely benign based on ACMG/AMP sequence variant interpretation guidelines (Richards et al. 2015 PMID: 25741868, with internal and published modifications).

Clinical Genetics, Erasmus University Medical Center
Classification: Uncertain significance for Hirschsprung disease, susceptibility to, 1. Last evaluated: 2016-11-18. Review status: no assertion criteria provided. Collection method: clinical testing. Allele origin: unknown. Inheritance: Oligogenic inheritance. Affected: yes. Observed: 1 variant allele, 1 heterozygote. Not counted in ClinVar's aggregate classification.